The following is an entry in ClinVar:

NM_001042492.3(NF1):c.2658C>T (p.Asn886=)

Gene: NF1 (neurofibromin 1; plus strand). Cytogenetic location: 17q11.2.
Variant type: single nucleotide variant.
Coding change: c.2658C>T on transcript NM_001042492.3 (MANE Select); coding-DNA position 2658, C replaced by T.
Protein change: p.Asn886=; no amino-acid change (asparagine 886 retained).
Molecular consequence: synonymous variant.
Genome position (GRCh38, 1-based): chr17:31,229,273, C>T. VCF-style: chr17-31229273-C-T. GRCh37 (hg19) VCF-style: chr17-29556291-C-T.
Other names: c.2658C>T, p.Asn886= (NM_000267.4).
Identifiers: ClinVar variation 184587 (VCV000184587.21), dbSNP rs781549970, ClinGen allele CA189381.

ClinVar aggregate classification (germline): Benign/Likely benign. Review status: criteria provided, multiple submitters, no conflicts (2 of 4 stars). 8 submissions from 8 submitters: Benign (1); Likely benign (6). 1 of the submissions does not count toward it. Last evaluated 2026-05-18.

Conditions:
NF1-related disorder. Also called: NF1-related condition. Identifiers: MedGen CN379171.
Hereditary cancer-predisposing syndrome. Also called: Tumor predisposition; Neoplastic Syndromes, Hereditary; Hereditary neoplastic syndrome; Hereditary Cancer Syndrome. Identifiers: Orphanet 140162, MedGen C0027672, MeSH D009386, MONDO:0015356.
Neurofibromatosis, type 1 (NF1). Also called: NEUROFIBROMATOSIS, TYPE I, SOMATIC; Peripheral type neurofibromatosis; VON RECKLINGHAUSEN DISEASE; Neurofibromatosis, type I. Identifiers: Orphanet 636, MedGen C0027831, MONDO:0018975, OMIM 162200. Disease mechanism: loss of function.

Allele frequency attached by ClinVar (database versions not stated): ExAC 0.00001; gnomAD exomes 0.00001 and 0.00002; TOPMed 0.00001.
gnomAD v4.1: 23 of 1,613,472 alleles (0.0014%); highest among the groups gnomAD compares: Non-Finnish European, 0.0018%; no homozygotes.

Submissions (8):

Myriad Genetics, Inc.
Classification: Benign for Neurofibromatosis, type 1. Last evaluated: 2026-05-18. Review status: criteria provided, single submitter. Criteria: Myriad Autosomal Dominant, Autosomal Recessive and X-Linked Classification Criteria (2023). Collection method: clinical testing. Allele origin: unknown.
Comment: This variant is considered benign. This variant is a silent/synonymous amino acid change and it is not expected to impact splicing.

Labcorp Genetics (formerly Invitae), Labcorp
Classification: Likely benign for Neurofibromatosis, type 1. Last evaluated: 2026-02-02. Review status: criteria provided, single submitter. Criteria: Invitae Variant Classification Sherloc (09022015). Collection method: clinical testing. Allele origin: germline.

Blueprint Genetics
Classification: Likely benign. Last evaluated: 2023-01-19. Review status: criteria provided, single submitter. Criteria: ACMG Guidelines, 2015. Collection method: clinical testing. Allele origin: germline.

Sema4
Classification: Likely benign for Hereditary cancer-predisposing syndrome. Last evaluated: 2022-03-18. Review status: criteria provided, single submitter. Criteria: Sema4 Curation Guidelines. Collection method: curation. Allele origin: germline.

Genome-Nilou Lab
Classification: Likely benign for Neurofibromatosis, type 1. Last evaluated: 2022-03-15. Review status: criteria provided, single submitter. Criteria: ACMG Guidelines, 2015. Collection method: clinical testing. Allele origin: germline. Affected: no.

GeneDx
Classification: Likely benign. Last evaluated: 2020-04-21. Review status: criteria provided, single submitter. Criteria: GeneDx Variant Classification Process June 2021. Collection method: clinical testing. Allele origin: germline. Affected: yes.

Ambry Genetics
Classification: Likely benign for Hereditary cancer-predisposing syndrome. Last evaluated: 2015-08-02. Review status: criteria provided, single submitter. Criteria: Ambry Autosomal Dominant and X-Linked criteria (10/2015). Collection method: clinical testing. Allele origin: germline. Observed: 1 variant allele.

PreventionGenetics, part of Exact Sciences
Classification: Likely benign for NF1-related condition. Last evaluated: 2019-05-06. Review status: no assertion criteria provided. Collection method: clinical testing. Allele origin: germline. Not counted in ClinVar's aggregate classification.
Comment: This variant is classified as likely benign based on ACMG/AMP sequence variant interpretation guidelines (Richards et al. 2015 PMID: 25741868, with internal and published modifications).